The following is an entry in ClinVar:

ClinVar aggregate classification (germline): Uncertain significance (1 of 4 stars; one submission).

Conditions:
Lysinuric protein intolerance (LPI). Identifiers: Orphanet 470, MedGen C0268647, MONDO:0009109, OMIM 222700.

gnomAD v4.1: 1 of 1,613,770 alleles (0.000062%); highest among the groups gnomAD compares: South Asian, 0.0011%; no homozygotes.

Submission:

Labcorp Genetics (formerly Invitae), Labcorp
Classification: Uncertain significance for Lysinuric protein intolerance. Last evaluated: 2024-09-27. Review status: criteria provided, single submitter. Criteria: Invitae Variant Classification Sherloc (09022015). Collection method: clinical testing. Allele origin: germline.
Comment: This sequence change replaces isoleucine, which is neutral and non-polar, with threonine, which is neutral and polar, at codon 304 of the SLC7A7 protein (p.Ile304Thr). This variant is present in population databases (no rsID available, gnomAD 0.003%). This variant has not been reported in the literature in individuals affected with SLC7A7-related conditions. An algorithm developed to predict the effect of missense changes on protein structure and function outputs the following: PolyPhen-2: "Benign". The threonine amino acid residue is found in multiple mammalian species, which suggests that this missense change does not adversely affect protein function. In summary, the available evidence is currently insufficient to determine the role of this variant in disease. Therefore, it has been classified as a Variant of Uncertain Significance.

NM_003982.4(SLC7A7):c.911T>C (p.Ile304Thr)

Gene: SLC7A7 (solute carrier family 7 member 7; minus strand). Cytogenetic location: 14q11.2.
Variant type: single nucleotide variant.
Coding change: c.911T>C on transcript NM_003982.4 (MANE Select); coding-DNA position 911, T replaced by C.
Protein change: p.Ile304Thr; replaces isoleucine 304 with threonine.
Molecular consequence: missense variant.
Genome position (GRCh38, 1-based): chr14:22,775,920, A>G on the plus strand (T>C on the coding strand, the complement: SLC7A7 is on the minus strand). VCF-style: chr14-22775920-A-G. GRCh37 (hg19) VCF-style: chr14-23245129-A-G.
Other names: c.911T>C, p.Ile304Thr (NM_001126105.3, NM_001126106.4); short protein forms I304T.
Identifiers: ClinVar variation 3721646 (VCV003721646.2).